The following is an entry in ClinVar:

ClinVar aggregate classification (germline): Uncertain significance (1 of 4 stars; one submission).

Conditions:
Inborn genetic diseases. Identifiers: MedGen C0950123, MeSH D030342.

Allele frequency attached by ClinVar (database versions not stated): gnomAD exomes 0.00002 and 0.00004; ExAC 0.00003.
gnomAD v4.1: 23 of 1,614,258 alleles (0.0014%); highest among the groups gnomAD compares: East Asian, 0.051%; no homozygotes.

Submission:

Ambry Genetics
Classification: Uncertain significance for Inborn genetic diseases. Last evaluated: 2017-02-10. Review status: criteria provided, single submitter. Criteria: Ambry Variant Classification Scheme 2023. Collection method: clinical testing. Allele origin: germline.
Comment: The c.8901+4T>C intronic variant results from a T to C substitution 4 nucleotides after coding exon 64 in the SZT2 gene. This nucleotide position is not well conserved in available vertebrate species. The splice prediction software does not predict a deleterious effect on splicing. Since supporting evidence is limited at this time, the clinical significance of this variant remains unclear.

NM_001365999.1(SZT2):c.9072+4T>C

Gene: SZT2 (SZT2 subunit of KICSTOR complex; plus strand). Cytogenetic location: 1p34.2.
Variant type: single nucleotide variant.
Coding change: c.9072+4T>C on transcript NM_001365999.1 (MANE Select); 4 bases into the intron after coding-DNA position 9072, T replaced by C.
Molecular consequence: intron variant.
Genome position (GRCh38, 1-based): chr1:43,446,420, T>C. VCF-style: chr1-43446420-T-C. GRCh37 (hg19) VCF-style: chr1-43912091-T-C.
Other names: c.8901+4T>C (NM_015284.4).
Identifiers: ClinVar variation 588785 (VCV000588785.5), dbSNP rs770944819, ClinGen allele CA810802.